The following is an entry in ClinVar:

NM_001112741.2(KCNC1):c.1058C>T (p.Ala353Val)

Gene: KCNC1 (potassium voltage-gated channel subfamily C member 1; plus strand). Cytogenetic location: 11p15.1.
Variant type: single nucleotide variant.
Coding change: c.1058C>T on transcript NM_001112741.2 (MANE Select); coding-DNA position 1058, C replaced by T.
Protein change: p.Ala353Val; replaces alanine 353 with valine.
Molecular consequence: missense variant.
Genome position (GRCh38, 1-based): chr11:17,772,152, C>T. VCF-style: chr11-17772152-C-T. GRCh37 (hg19) VCF-style: chr11-17793699-C-T.
Other names: c.1058C>T, p.Ala353Val (NM_004976.4); short protein forms A353V.
Identifiers: ClinVar variation 2001054 (VCV002001054.4), dbSNP rs756312885, ClinGen allele CA5906765.

ClinVar aggregate classification (germline): Uncertain significance (1 of 4 stars; one submission).

Conditions:
Progressive myoclonic epilepsy type 7. Identifiers: Orphanet 435438, MedGen C4015420, MONDO:0014521, OMIM 616187.

Allele frequency attached by ClinVar (database versions not stated): gnomAD exomes below 0.00001; ExAC 0.00001.

Submission:

Labcorp Genetics (formerly Invitae), Labcorp
Classification: Uncertain significance for Progressive myoclonic epilepsy type 7. Last evaluated: 2023-12-11. Review status: criteria provided, single submitter. Criteria: Invitae Variant Classification Sherloc (09022015). Collection method: clinical testing. Allele origin: germline.
Comment: This sequence change replaces alanine, which is neutral and non-polar, with valine, which is neutral and non-polar, at codon 353 of the KCNC1 protein (p.Ala353Val). This variant is present in population databases (rs756312885, gnomAD 0.0009%). This variant has not been reported in the literature in individuals affected with KCNC1-related conditions. ClinVar contains an entry for this variant (Variation ID: 2001054). Advanced modeling of protein sequence and biophysical properties (such as structural, functional, and spatial information, amino acid conservation, physicochemical variation, residue mobility, and thermodynamic stability) performed at Invitae indicates that this missense variant is not expected to disrupt KCNC1 protein function with a negative predictive value of 80%. In summary, the available evidence is currently insufficient to determine the role of this variant in disease. Therefore, it has been classified as a Variant of Uncertain Significance.